The following is an entry in ClinVar:

NM_003718.5(CDK13):c.4094G>A (p.Arg1365Gln)

Gene: CDK13 (cyclin dependent kinase 13; plus strand). Cytogenetic location: 7p14.1.
Variant type: single nucleotide variant.
Coding change: c.4094G>A on transcript NM_003718.5 (MANE Select); coding-DNA position 4094, G replaced by A.
Protein change: p.Arg1365Gln; replaces arginine 1365 with glutamine.
Molecular consequence: missense variant.
Genome position (GRCh38, 1-based): chr7:40,094,535, G>A. VCF-style: chr7-40094535-G-A. GRCh37 (hg19) VCF-style: chr7-40134134-G-A.
Other names: c.3914G>A, p.Arg1305Gln (NM_031267.4); short protein forms R1305Q, R1365Q.
Identifiers: ClinVar variation 2048229 (VCV002048229.5), dbSNP rs1257385562, ClinGen allele CA367296426.

ClinVar aggregate classification (germline): Benign/Likely benign. Review status: criteria provided, multiple submitters, no conflicts (2 of 4 stars). 2 submissions from 2 submitters: Benign (1); Likely benign (1). Last evaluated 2026-09-01.

Allele frequency attached by ClinVar (database versions not stated): gnomAD exomes below 0.00001; TOPMed below 0.00001; gnomAD 0.00001.
gnomAD v4.1: 7 of 1,611,702 alleles (0.00043%); highest among the groups gnomAD compares: Admixed American, 0.005%; no homozygotes.

Submissions (2):

CeGaT Center for Human Genetics Tuebingen
Classification: Likely benign. Last evaluated: 2026-09-01. Review status: criteria provided, single submitter. Criteria: CeGaT Center For Human Genetics Tuebingen Variant Classification Criteria Version 2. Collection method: clinical testing. Allele origin: germline. Affected: yes. Observed: 1 variant allele.
Comment: CDK13: BP4

Labcorp Genetics (formerly Invitae), Labcorp
Classification: Benign. Last evaluated: 2024-08-12. Review status: criteria provided, single submitter. Criteria: Invitae Variant Classification Sherloc (09022015). Collection method: clinical testing. Allele origin: germline.